The following is an entry in ClinVar:

ClinVar aggregate classification (germline): Pathogenic (1 of 4 stars; one submission).

Submission:

Quest Diagnostics Nichols Institute San Juan Capistrano
Classification: Pathogenic. Last evaluated: 2026-06-05. Review status: criteria provided, single submitter. Criteria: ACMG/ClinGen CNV Guidelines, 2019. Collection method: clinical testing. Allele origin: unknown.
Comment: This copy number loss involves CNOT1 (OMIM 604917). Haploinsufficiency of CNOT1 is associated with autosomal dominant Vissers-Bodmer Syndrome (OMIM 619033, CCID:006889), which is characterized by developmental delay, intellectual disability, infantile hypotonia and feeding difficulties, neurobehavioral manifestations, growth issues, and additional variable congenital anomalies (de Brouwer 2026). Thus, based on current medical literature, this copy number variant (CNV) is classified as pathogenic.

Literature cited by the submitters: PubMed 41911374.

GRCh37/hg19 16q13-21(chr16:57292407-59103985)x1

Genes: NDRG4 (NDRG family member 4; plus strand), PLLP (plasmolipin; minus strand), POLR2C (RNA polymerase II subunit C; plus strand), PRSS54 (serine protease 54; minus strand), SETD6 (SET domain containing 6, protein lysine methyltransferase; plus strand) and 25 more. Cytogenetic location: 16q13-21.
Variant type: copy number loss.
Change: copy number 1 (one copy instead of two) of chr16:57,292,407-59,103,985 (1.81 Mb, GRCh37 coordinates, 1-based), cytogenetic band 16q13-21.
Identifiers: ClinVar variation 980679 (VCV000980679.2).